The following is an entry in ClinVar:

NM_138348.6(OTULIN):c.152A>C (p.His51Pro)

Gene: OTULIN (OTU deubiquitinase with linear linkage specificity; plus strand). Cytogenetic location: 5p15.2.
Variant type: single nucleotide variant.
Coding change: c.152A>C on transcript NM_138348.6 (MANE Select); coding-DNA position 152, A replaced by C.
Protein change: p.His51Pro; replaces histidine 51 with proline.
Molecular consequence: missense variant.
Genome position (GRCh38, 1-based): chr5:14,664,977, A>C. VCF-style: chr5-14664977-A-C. GRCh37 (hg19) VCF-style: chr5-14665086-A-C.
Other names: short protein forms H51P.
Identifiers: ClinVar variation 2121419 (VCV002121419.4), dbSNP rs2478113090, ClinGen allele CA359242347.
Genomic context (GRCh38, chr5:14,664,977, plus strand): 5'-ACGGCGGGAAGGCGGCGGCCAGCGGGCAGCCGCGGCCCGAGATGCAGTGCCCGGCCGAGC[A>C]GTGAGTCCGCGGGGGCGCGGGGCGCGGGCCGTGGGCGGCGGGCTCGGTCCCCTCCGGAAG-3'
Protein context (NP_612357.4, residues 41-61): PRPEMQCPAE[His51Pro]EEDMYRAADE

ClinVar aggregate classification (germline): Uncertain significance (1 of 4 stars; one submission).

Allele frequency attached by ClinVar (database versions not stated): gnomAD exomes 0.00001.
gnomAD v4.1: 1 of 1,074,276 alleles (0.000093%); highest among the groups gnomAD compares: Non-Finnish European, 0.00011%; no homozygotes.

Submission:

Labcorp Genetics (formerly Invitae), Labcorp
Classification: Uncertain significance. Last evaluated: 2022-04-04. Review status: criteria provided, single submitter. Criteria: Invitae Variant Classification Sherloc (09022015). Collection method: clinical testing. Allele origin: germline.
Comment: In summary, the available evidence is currently insufficient to determine the role of this variant in disease. Therefore, it has been classified as a Variant of Uncertain Significance. Algorithms developed to predict the effect of missense changes on protein structure and function are either unavailable or do not agree on the potential impact of this missense change (SIFT: "Deleterious"; PolyPhen-2: "Benign"; Align-GVGD: "Class C0"). This variant has not been reported in the literature in individuals affected with OTULIN-related conditions. This variant is not present in population databases (gnomAD no frequency). This sequence change replaces histidine, which is basic and polar, with proline, which is neutral and non-polar, at codon 51 of the OTULIN protein (p.His51Pro).